The following is an entry in ClinVar:

ClinVar aggregate classification (germline): Uncertain significance (1 of 4 stars; one submission).

Submission:

CeGaT Center for Human Genetics Tuebingen
Classification: Uncertain significance. Last evaluated: 2026-09-01. Review status: criteria provided, single submitter. Criteria: CeGaT Center For Human Genetics Tuebingen Variant Classification Criteria Version 2. Collection method: clinical testing. Allele origin: germline. Affected: yes. Observed: 1 variant allele.
Comment: PIK3R5: PM2, BP4

NM_001142633.3(PIK3R5):c.794G>T (p.Gly265Val)

Gene: PIK3R5 (phosphoinositide-3-kinase regulatory subunit 5; minus strand). Cytogenetic location: 17p13.1.
Variant type: single nucleotide variant.
Coding change: c.794G>T on transcript NM_001142633.3 (MANE Select); coding-DNA position 794, G replaced by T.
Protein change: p.Gly265Val; replaces glycine 265 with valine.
Molecular consequence: missense variant. On other transcripts: 5 prime UTR variant (6), intron variant (2).
Genome position (GRCh38, 1-based): chr17:8,889,990, C>A on the plus strand (G>T on the coding strand, the complement: PIK3R5 is on the minus strand). VCF-style: chr17-8889990-C-A. GRCh37 (hg19) VCF-style: chr17-8793307-C-A.
Other names: c.-427G>T (NM_001251851.2); c.-365G>T (NM_001251852.2, NM_001251855.2, NM_001388397.1 and 2 more transcripts); c.794G>T, p.Gly265Val (NM_001388396.1, NM_014308.4); c.-348+748G>T (NM_001388400.1, NM_001251853.2); short protein forms G265V.
Identifiers: ClinVar variation 5041075 (VCV005041075.1).
Genomic context (GRCh38, chr17:8,889,990, plus strand): 5'-CCATGGGGAATGTGGGAGAACCCCATTCTCCCAAGAGCCTCACCTAACACCCCAGGGAAG[C>A]CAGCTTTTTCTCCCACCGCCTGCAGCTTGGTCCTGAGCCACCGCCGGGCCTCTGCAGCAT-3'
Protein context (NP_001136105.1, residues 255-275): TKLQAVGEKA[Gly265Val]FPGVLDTAKP